The following is an entry in ClinVar:

NM_021942.6(TRAPPC11):c.49A>C (p.Met17Leu)

Gene: TRAPPC11 (trafficking protein particle complex subunit 11; plus strand). Cytogenetic location: 4q35.1.
Variant type: single nucleotide variant.
Coding change: c.49A>C on transcript NM_021942.6 (MANE Select); coding-DNA position 49, A replaced by C.
Protein change: p.Met17Leu; replaces methionine 17 with leucine.
Molecular consequence: missense variant.
Genome position (GRCh38, 1-based): chr4:183,663,916, A>C. VCF-style: chr4-183663916-A-C. GRCh37 (hg19) VCF-style: chr4-184585069-A-C.
Other names: c.49A>C, p.Met17Leu (NM_199053.3); short protein forms M17L.
Identifiers: ClinVar variation 1504817 (VCV001504817.6), dbSNP rs149829052, ClinGen allele CA358858337.

ClinVar aggregate classification (germline): Uncertain significance (1 of 4 stars; one submission).

Conditions:
Autosomal recessive limb-girdle muscular dystrophy type R18 (LGMDR18). Also called: Limb-girdle muscular dystrophy, type 2S; MUSCULAR DYSTROPHY, LIMB-GIRDLE, AUTOSOMAL RECESSIVE 18; Autosomal recessive limb-girdle muscular dystrophy type 2S. Identifiers: Orphanet 369840, MedGen C4517996, MONDO:0014144, OMIM 615356.

Submission:

Labcorp Genetics (formerly Invitae), Labcorp
Classification: Uncertain significance for Autosomal recessive limb-girdle muscular dystrophy type R18. Last evaluated: 2022-03-08. Review status: criteria provided, single submitter. Criteria: Invitae Variant Classification Sherloc (09022015). Collection method: clinical testing. Allele origin: germline.
Comment: In summary, the available evidence is currently insufficient to determine the role of this variant in disease. Therefore, it has been classified as a Variant of Uncertain Significance. This sequence change replaces methionine, which is neutral and non-polar, with leucine, which is neutral and non-polar, at codon 17 of the TRAPPC11 protein (p.Met17Leu). This variant is not present in population databases (gnomAD no frequency). This variant has not been reported in the literature in individuals affected with TRAPPC11-related conditions. Algorithms developed to predict the effect of missense changes on protein structure and function (SIFT, PolyPhen-2, Align-GVGD) all suggest that this variant is likely to be tolerated.